The following is an entry in ClinVar:

ClinVar aggregate classification (germline): Uncertain significance (1 of 4 stars; one submission).

Conditions:
Hereditary cancer-predisposing syndrome. Also called: Hereditary Cancer Syndrome; Hereditary neoplastic syndrome; Tumor predisposition; Neoplastic Syndromes, Hereditary. Identifiers: Orphanet 140162, MedGen C0027672, MeSH D009386, MONDO:0015356.

Submission:

Ambry Genetics
Classification: Uncertain significance for Hereditary cancer-predisposing syndrome. Last evaluated: 2022-05-24. Review status: criteria provided, single submitter. Criteria: Ambry Variant Classification Scheme 2023. Collection method: clinical testing. Allele origin: germline.
Comment: The p.Q794K variant (also known as c.2380C>A), located in coding exon 21 of the TSC2 gene, results from a C to A substitution at nucleotide position 2380. The glutamine at codon 794 is replaced by lysine, an amino acid with similar properties. This amino acid position is conserved. In addition, the in silico prediction for this alteration is inconclusive. Since supporting evidence is limited at this time, the clinical significance of this alteration remains unclear.

NM_000548.5(TSC2):c.2380C>A (p.Gln794Lys)

Gene: TSC2 (TSC complex subunit 2; plus strand). Cytogenetic location: 16p13.3.
Variant type: single nucleotide variant.
Coding change: c.2380C>A on transcript NM_000548.5 (MANE Select); coding-DNA position 2380, C replaced by A.
Protein change: p.Gln794Lys; replaces glutamine 794 with lysine.
Molecular consequence: missense variant.
Genome position (GRCh38, 1-based): chr16:2,074,224, C>A. VCF-style: chr16-2074224-C-A. GRCh37 (hg19) VCF-style: chr16-2124225-C-A.
Other names: c.2380C>A, p.Gln794Lys (NM_001077183.3, NM_001114382.3, NM_001363528.2 and 6 more transcripts); c.2269C>A, p.Gln757Lys (NM_001318827.2, NM_001406670.1, NM_001406678.1); c.2233C>A, p.Gln745Lys (NM_001318829.2, NM_001406675.1, NM_001406676.1 and 1 more transcripts); c.1780C>A, p.Gln594Lys (NM_001318831.2, NM_001406680.1, NM_001406682.1 and 6 more transcripts); c.2413C>A, p.Gln805Lys (NM_001318832.2); c.2470C>A, p.Gln824Lys (NM_001406667.1, NM_001406668.1); c.2368C>A, p.Gln790Lys (NM_001406671.1, NM_001406673.1); c.2323C>A, p.Gln775Lys (NM_001406677.1); and 3 more; short protein forms Q346K, Q757K, Q790K, Q640K, Q775K, Q794K, Q805K, Q824K.
Identifiers: ClinVar variation 1790436 (VCV001790436.2), dbSNP rs45517233, ClinGen allele CA394277032.